The following is an entry in ClinVar:

NM_014727.3(KMT2B):c.3714C>G (p.Pro1238=)

Gene: KMT2B (lysine methyltransferase 2B; plus strand). Cytogenetic location: 19q13.12.
Variant type: single nucleotide variant.
Coding change: c.3714C>G on transcript NM_014727.3 (MANE Select); coding-DNA position 3714, C replaced by G.
Protein change: p.Pro1238=; no amino-acid change (proline 1238 retained).
Molecular consequence: synonymous variant.
Genome position (GRCh38, 1-based): chr19:35,725,550, C>G. VCF-style: chr19-35725550-C-G. GRCh37 (hg19) VCF-style: chr19-36216451-C-G.
Identifiers: ClinVar variation 1590374 (VCV001590374.9), dbSNP rs201412061, ClinGen allele CA9384843.

ClinVar aggregate classification (germline): Likely benign. Review status: criteria provided, multiple submitters, no conflicts (2 of 4 stars). 2 submissions from 2 submitters: Likely benign (2). Last evaluated 2026-09-01.

Allele frequency attached by ClinVar (database versions not stated): TOPMed 0.00006; ExAC 0.00011; gnomAD exomes 0.00014 and 0.00030; 1000 Genomes Project 30x 0.00016; gnomAD 0.00016; 1000 Genomes Project 0.00020.
gnomAD v4.1: 455 of 1,611,000 alleles (0.028%); highest among the groups gnomAD compares: Non-Finnish European, 0.036%; no homozygotes.

Submissions (2):

CeGaT Center for Human Genetics Tuebingen
Classification: Likely benign. Last evaluated: 2026-09-01. Review status: criteria provided, single submitter. Criteria: CeGaT Center For Human Genetics Tuebingen Variant Classification Criteria Version 2. Collection method: clinical testing. Allele origin: germline. Affected: yes. Observed: 1 variant allele.
Comment: KMT2B: BP4, BP7

Labcorp Genetics (formerly Invitae), Labcorp
Classification: Likely benign. Last evaluated: 2025-12-15. Review status: criteria provided, single submitter. Criteria: Invitae Variant Classification Sherloc (09022015). Collection method: clinical testing. Allele origin: germline.